The following is an entry in ClinVar:

NM_006593.4(TBR1):c.581C>T (p.Ser194Phe)

Gene: TBR1 (T-box brain transcription factor 1; plus strand). Cytogenetic location: 2q24.2.
Variant type: single nucleotide variant.
Coding change: c.581C>T on transcript NM_006593.4 (MANE Select); coding-DNA position 581, C replaced by T.
Protein change: p.Ser194Phe; replaces serine 194 with phenylalanine.
Molecular consequence: missense variant.
Genome position (GRCh38, 1-based): chr2:161,416,991, C>T. VCF-style: chr2-161416991-C-T. GRCh37 (hg19) VCF-style: chr2-162273502-C-T.
Other names: short protein forms S194F.
Identifiers: ClinVar variation 1701082 (VCV001701082.2), dbSNP rs2105278528, ClinGen allele CA349211718.

ClinVar aggregate classification (germline): Uncertain significance. Review status: criteria provided, single submitter (1 of 4 stars). 2 submissions from 2 submitters: Uncertain significance (1). 1 of the submissions does not count toward it. Last evaluated 2021-08-23.

Conditions:
Seizure. Also called: Seizures. Identifiers: MedGen C0036572, HP:0001250.

Submissions (2):

Institute for Clinical Genetics, University Hospital TU Dresden, University Hospital TU Dresden
Classification: Uncertain significance. Last evaluated: 2021-08-23. Review status: criteria provided, single submitter. Criteria: ACMG Guidelines, 2015. Collection method: clinical testing. Allele origin: de novo.
Comment: PP2, PM2_SUP, PS2_MOD

Diagnostic Laboratory, Strasbourg University Hospital
Classification: Uncertain significance for Seizure. Review status: no assertion criteria provided. Collection method: clinical testing. Allele origin: de novo. Affected: yes. Observed: 1 heterozygote. Not counted in ClinVar's aggregate classification.